The following is an entry in ClinVar:

NM_032444.4(SLX4):c.1692G>A (p.Met564Ile)

Gene: SLX4 (SLX4 structure-specific endonuclease subunit; minus strand). Cytogenetic location: 16p13.3.
Variant type: single nucleotide variant.
Coding change: c.1692G>A on transcript NM_032444.4 (MANE Select); coding-DNA position 1692, G replaced by A.
Protein change: p.Met564Ile; replaces methionine 564 with isoleucine.
Molecular consequence: missense variant.
Genome position (GRCh38, 1-based): chr16:3,596,385, C>T on the plus strand (G>A on the coding strand, the complement: SLX4 is on the minus strand). VCF-style: chr16-3596385-C-T. GRCh37 (hg19) VCF-style: chr16-3646386-C-T.
Other names: short protein forms M564I.
Identifiers: ClinVar variation 1362771 (VCV001362771.6), dbSNP rs2151130279, ClinGen allele CA394527853.

ClinVar aggregate classification (germline): Uncertain significance (1 of 4 stars; one submission).

Conditions:
Fanconi anemia (FA). Also called: Fanconi's anemia. Identifiers: Orphanet 84, MedGen C0015625, MeSH D005199, MONDO:0019391.

gnomAD v4.1: 1 of 1,594,500 alleles (0.000063%); highest among the groups gnomAD compares: Non-Finnish European, 0.000086%; no homozygotes.

Submission:

Labcorp Genetics (formerly Invitae), Labcorp
Classification: Uncertain significance for Fanconi anemia. Last evaluated: 2024-06-17. Review status: criteria provided, single submitter. Criteria: Invitae Variant Classification Sherloc (09022015). Collection method: clinical testing. Allele origin: germline.
Comment: This sequence change replaces methionine, which is neutral and non-polar, with isoleucine, which is neutral and non-polar, at codon 564 of the SLX4 protein (p.Met564Ile). This variant is not present in population databases (gnomAD no frequency). This variant has not been reported in the literature in individuals affected with SLX4-related conditions. ClinVar contains an entry for this variant (Variation ID: 1362771). An algorithm developed to predict the effect of missense changes on protein structure and function (PolyPhen-2) suggests that this variant is likely to be tolerated. In summary, the available evidence is currently insufficient to determine the role of this variant in disease. Therefore, it has been classified as a Variant of Uncertain Significance.